The following is an entry in ClinVar:

ClinVar aggregate classification (germline): Uncertain significance (1 of 4 stars; one submission).

Conditions:
Gorlin syndrome. Also called: Nevoid Basal Cell Carcinoma Syndrome; Basal cell nevus syndrome. Identifiers: Orphanet 377, MedGen C0004779, MONDO:0007187.

Submission:

Labcorp Genetics (formerly Invitae), Labcorp
Classification: Uncertain significance for Gorlin syndrome. Last evaluated: 2024-05-16. Review status: criteria provided, single submitter. Criteria: Invitae Variant Classification Sherloc (09022015). Collection method: clinical testing. Allele origin: germline.
Comment: This sequence change replaces asparagine, which is neutral and polar, with histidine, which is basic and polar, at codon 120 of the PTCH1 protein (p.Asn120His). This variant is not present in population databases (gnomAD no frequency). This variant has not been reported in the literature in individuals affected with PTCH1-related conditions. ClinVar contains an entry for this variant (Variation ID: 1720475). Advanced modeling of protein sequence and biophysical properties (such as structural, functional, and spatial information, amino acid conservation, physicochemical variation, residue mobility, and thermodynamic stability) performed at Invitae indicates that this missense variant is not expected to disrupt PTCH1 protein function with a negative predictive value of 95%. In summary, the available evidence is currently insufficient to determine the role of this variant in disease. Therefore, it has been classified as a Variant of Uncertain Significance.

NM_000264.5(PTCH1):c.358A>C (p.Asn120His)

Gene: PTCH1 (patched 1; minus strand). Cytogenetic location: 9q22.32.
Variant type: single nucleotide variant.
Coding change: c.358A>C on transcript NM_000264.5 (MANE Select); coding-DNA position 358, A replaced by C.
Protein change: p.Asn120His; replaces asparagine 120 with histidine.
Molecular consequence: missense variant. On other transcripts: 5 prime UTR variant (4), non-coding transcript variant (1).
Genome position (GRCh38, 1-based): chr9:95,506,443, T>G on the plus strand (A>C on the coding strand, the complement: PTCH1 is on the minus strand). VCF-style: chr9-95506443-T-G. GRCh37 (hg19) VCF-style: chr9-98268725-T-G.
Other names: c.160A>C, p.Asn54His (NM_001083602.3, NM_001354919.2); c.355A>C, p.Asn119His (NM_001083603.3); c.-96A>C (NM_001083604.3, NM_001083605.3, NM_001083606.3 and 1 more transcripts); c.358A>C, p.Asn120His (NM_001354918.2); short protein forms N119H, N120H, N54H.
Identifiers: ClinVar variation 1720475 (VCV001720475.6), dbSNP rs2118875043, ClinGen allele CA374120207.
Genomic context (GRCh38, chr9:95,506,443, plus strand): 5'-GGGCGCCGCGGCGGGCGCTCTTACCTTCCACCCACAGCTCCTCCACGTTGGTCTCGAGGT[T>G]CGCTGCTTTTAATCCCACCGCGAAGGCCCCAAATATGAGGAGGCCCACAACCAAGAACTT-3'
Protein context (NP_000255.2, residues 110-130): GAFAVGLKAA[Asn120His]LETNVEELWV